The following is an entry in ClinVar:

NM_003263.4(TLR1):c.606C>T (p.Phe202=)

Gene: TLR1 (toll like receptor 1; minus strand). Cytogenetic location: 4p14.
Variant type: single nucleotide variant.
Coding change: c.606C>T on transcript NM_003263.4 (MANE Select); coding-DNA position 606, C replaced by T.
Protein change: p.Phe202=; no amino-acid change (phenylalanine 202 retained).
Molecular consequence: synonymous variant.
Genome position (GRCh38, 1-based): chr4:38,798,226, G>A on the plus strand (C>T on the coding strand, the complement: TLR1 is on the minus strand). VCF-style: chr4-38798226-G-A. GRCh37 (hg19) VCF-style: chr4-38799847-G-A.
Identifiers: ClinVar variation 3032840 (VCV003032840.2), dbSNP rs775736270, ClinGen allele CA2889518.

ClinVar aggregate classification (germline): Likely benign (0 of 4 stars; one submission).

Conditions:
TLR1-related disorder. Also called: TLR1-related condition.

Allele frequency attached by ClinVar (database versions not stated): ExAC 0.00001; gnomAD exomes 0.00001.
gnomAD v4.1: 5 of 1,613,674 alleles (0.00031%); highest among the groups gnomAD compares: Middle Eastern, 0.033%; no homozygotes.

Submission:

PreventionGenetics, part of Exact Sciences
Classification: Likely benign for TLR1-related condition. Last evaluated: 2022-09-23. Review status: no assertion criteria provided. Collection method: clinical testing. Allele origin: germline.
Comment: This variant is classified as likely benign based on ACMG/AMP sequence variant interpretation guidelines (Richards et al. 2015 PMID: 25741868, with internal and published modifications).